The following is an entry in ClinVar:

ClinVar aggregate classification (germline): Pathogenic. Review status: criteria provided, multiple submitters, no conflicts (2 of 4 stars). 3 submissions from 2 submitters: Pathogenic (3). Last evaluated 2021-12-22.

Conditions:
Marfan syndrome (MFS). Also called: Marfan syndrome, classic; Marfan syndrome type 1; Marfan's syndrome; MARFAN SYNDROME, TYPE I; FBN1-Related Marfan Syndrome. Identifiers: Orphanet 284963, Orphanet 558, MedGen C0024796, MONDO:0007947, OMIM 154700.
Familial thoracic aortic aneurysm and aortic dissection (TAAD). Also called: Thoracic aortic aneurysms and dissections. Identifiers: Orphanet 91387, MedGen C4707243, MONDO:0019625.

Submissions (3):

Mayo Clinic Laboratories, Mayo Clinic
Classification: Pathogenic. Last evaluated: 2021-12-22. Review status: criteria provided, single submitter. Criteria: ACMG Guidelines, 2015. Collection method: clinical testing. Allele origin: germline.
Comment: PP4, PM2, PVS1

Labcorp Genetics (formerly Invitae), Labcorp
Classification: Pathogenic for Marfan syndrome. Last evaluated: 2016-06-13. Review status: criteria provided, single submitter. Criteria: Invitae Variant Classification Sherloc (09022015). Collection method: clinical testing. Allele origin: germline.
Comment: This sequence change deletes 1 nucleotide from exon 9 of the FBN1 mRNA (c.978delC), causing a frameshift at codon 327. This creates a premature translational stop signal (p.Arg327Aspfs*3) and is expected to result in an absent or disrupted protein product. While this particular variant has not been reported in the literature, truncating variants in FBN1 are known to be pathogenic (PMID: 17657824, 19293843). For these reasons, this variant has been classified as Pathogenic.

Labcorp Genetics (formerly Invitae), Labcorp
Classification: Pathogenic for Marfan syndrome; Familial thoracic aortic aneurysm and aortic dissection. Last evaluated: 2016-06-13. Review status: criteria provided, single submitter. Criteria: Invitae Variant Classification Sherloc (09022015). Collection method: clinical testing. Allele origin: germline.
Comment: For these reasons, this variant has been classified as Pathogenic. While this particular variant has not been reported in the literature, truncating variants in FBN1 are known to be pathogenic (PMID: 17657824, 19293843). This sequence change deletes 1 nucleotide from exon 9 of the FBN1 mRNA (c.978delC), causing a frameshift at codon 327. This creates a premature translational stop signal (p.Arg327Aspfs*3) and is expected to result in an absent or disrupted protein product.

Literature cited by the submitters: PubMed 17657824 (cited by Labcorp Genetics (formerly Invitae), Labcorp); PubMed 19293843 (cited by Labcorp Genetics (formerly Invitae), Labcorp).

NM_000138.5(FBN1):c.978del (p.Arg327fs)

Gene: FBN1 (fibrillin 1; minus strand). Cytogenetic location: 15q21.1.
Variant type: Deletion.
Coding change: c.978del on transcript NM_000138.5 (MANE Select); coding-DNA position 978, one base deleted (C; older notation c.978delC).
Protein change: p.Arg327fs; shifts the reading frame from arginine 327.
Molecular consequence: frameshift variant.
Genome position (GRCh38, 1-based): chr15:48,526,140, G deleted on the plus strand (C on the coding strand, the reverse complement: FBN1 is on the minus strand); the first of 2 consecutive G bases (chr15:48,526,140-48,526,141); deleting either gives the same sequence. VCF-style (leftmost placement, unchanged base first): chr15-48526139-TG-T. GRCh37 (hg19) VCF-style: chr15-48818336-TG-T.
Other names: p.Arg327Aspfs*3; c.978delC (NM_000138.4); short protein forms R327fs.
Identifiers: ClinVar variation 406368 (VCV000406368.11), dbSNP rs1060501094, ClinGen allele CA16614454.